The following is an entry in ClinVar:

ClinVar aggregate classification (germline): Uncertain significance (1 of 4 stars; one submission).

Conditions:
Familial thoracic aortic aneurysm and aortic dissection (TAAD). Also called: Thoracic aortic aneurysms and dissections. Identifiers: Orphanet 91387, MedGen C4707243, MONDO:0019625.

Submission:

Color Diagnostics, LLC DBA Color Health
Classification: Uncertain significance for Familial thoracic aortic aneurysm and aortic dissection. Last evaluated: 2021-08-23. Review status: criteria provided, single submitter. Criteria: ACMG Guidelines, 2015. Collection method: clinical testing. Allele origin: germline.
Comment: This variant deletes 13 nucleotides in exon 41 of the MYH11 gene, creating a frameshift and premature translation stop signal. This variant is expected to result in an absent or non-functional protein product. To our knowledge, this variant has not been reported in individuals affected with cardiovascular disorders in the literature. This variant has not been identified in the general population by the Genome Aggregation Database (gnomAD). The role of loss-of-function MYH11 truncation and splice variants in autosomal dominant cardiovascular disorders is not clearly established. The available evidence is insufficient to determine the role of this variant in disease conclusively. Therefore, this variant is classified as a Variant of Uncertain Significance.

NM_002474.3(MYH11):c.5656_5668del (p.Leu1886fs)

Genes: NDE1 (nudE neurodevelopment protein 1; plus strand), MYH11 (myosin heavy chain 11; minus strand). Cytogenetic location: 16p13.11.
Variant type: Deletion.
Coding change: c.5656_5668del on transcript NM_002474.3 (MANE Select); coding-DNA positions 5656 to 5668, 13 bases deleted (CTGGAGGAGGCAG).
Protein change: p.Leu1886fs; shifts the reading frame from leucine 1886.
Molecular consequence: frameshift variant. On other transcripts: intron variant (2).
Genome position (GRCh38, 1-based): chr16:15,715,027-15,715,039, CTGCCTCCTCCAG deleted on the plus strand (CTGGAGGAGGCAG on the coding strand, the reverse complement: MYH11 is on the minus strand); deleting any 13 consecutive bases within chr16:15,715,027-15,715,046 gives the same sequence; the c. name uses the placement nearest the transcript's 3' end. VCF-style (leftmost placement, unchanged base first): chr16-15715026-TCTGCCTCCTCCAG-T. GRCh37 (hg19) VCF-style: chr16-15808883-TCTGCCTCCTCCAG-T.
Other names: c.5677_5689del, p.Leu1893fs (NM_001040113.2, NM_001040114.2); c.5656_5668del, p.Leu1886fs (NM_022844.3); c.948-9157_948-9145del (NM_001143979.2, NM_017668.3); short protein forms L1893fs, L1886fs.
Identifiers: ClinVar variation 2773784 (VCV002773784.2), dbSNP rs2510048031, ClinGen allele CA2697555671.